The following is an entry in ClinVar:

ClinVar aggregate classification (germline): Uncertain significance (1 of 4 stars; one submission).

Submission:

GeneDx
Classification: Uncertain significance. Last evaluated: 2024-10-29. Review status: criteria provided, single submitter. Criteria: GeneDx Variant Classification Process June 2021. Collection method: clinical testing. Allele origin: germline. Affected: yes.
Comment: Not observed at significant frequency in large population cohorts (gnomAD); In silico analysis supports that this missense variant has a deleterious effect on protein structure/function; Has not been previously published as pathogenic or benign to our knowledge

NM_007126.5(VCP):c.2162A>C (p.Glu721Ala)

Gene: VCP (valosin containing protein; minus strand). Cytogenetic location: 9p13.3.
Variant type: single nucleotide variant.
Coding change: c.2162A>C on transcript NM_007126.5 (MANE Select); coding-DNA position 2162, A replaced by C.
Protein change: p.Glu721Ala; replaces glutamic acid 721 with alanine.
Molecular consequence: missense variant.
Genome position (GRCh38, 1-based): chr9:35,057,529, T>G on the plus strand (A>C on the coding strand, the complement: VCP is on the minus strand). VCF-style: chr9-35057529-T-G. GRCh37 (hg19) VCF-style: chr9-35057526-T-G.
Other names: c.2027A>C, p.Glu676Ala (NM_001354927.2, NM_001354928.2); short protein forms E676A, E721A.
Identifiers: ClinVar variation 3897332 (VCV003897332.1).